The following is an entry in ClinVar:

ClinVar aggregate classification (germline): Uncertain significance. Review status: criteria provided, multiple submitters, no conflicts (2 of 4 stars). 2 submissions from 2 submitters: Uncertain significance (2). Last evaluated 2024-11-27.

Conditions:
Inborn genetic diseases. Identifiers: MedGen C0950123, MeSH D030342.

Allele frequency attached by ClinVar (database versions not stated): TOPMed below 0.00001; gnomAD 0.00001; gnomAD exomes 0.00001; ExAC 0.00002.
gnomAD v4.1: 18 of 1,613,658 alleles (0.0011%); highest among the groups gnomAD compares: Non-Finnish European, 0.0015%; no homozygotes.

Submissions (2):

Ambry Genetics
Classification: Uncertain significance for Inborn genetic diseases. Last evaluated: 2024-11-27. Review status: criteria provided, single submitter. Criteria: Ambry Variant Classification Scheme 2023. Collection method: clinical testing. Allele origin: germline.

Labcorp Genetics (formerly Invitae), Labcorp
Classification: Uncertain significance. Last evaluated: 2022-07-14. Review status: criteria provided, single submitter. Criteria: Invitae Variant Classification Sherloc (09022015). Collection method: clinical testing. Allele origin: germline.
Comment: This sequence change replaces glutamine, which is neutral and polar, with leucine, which is neutral and non-polar, at codon 1636 of the CDH23 protein (p.Gln1636Leu). This variant is present in population databases (rs762043839, gnomAD 0.003%). This variant has not been reported in the literature in individuals affected with CDH23-related conditions. Algorithms developed to predict the effect of missense changes on protein structure and function are either unavailable or do not agree on the potential impact of this missense change (SIFT: "Deleterious"; PolyPhen-2: "Not Available"; Align-GVGD: "Class C25"). In summary, the available evidence is currently insufficient to determine the role of this variant in disease. Therefore, it has been classified as a Variant of Uncertain Significance.

NM_022124.6(CDH23):c.4907A>T (p.Gln1636Leu)

Gene: CDH23 (cadherin related 23; plus strand). Cytogenetic location: 10q22.1.
Variant type: single nucleotide variant.
Coding change: c.4907A>T on transcript NM_022124.6 (MANE Select); coding-DNA position 4907, A replaced by T.
Protein change: p.Gln1636Leu; replaces glutamine 1636 with leucine.
Molecular consequence: missense variant.
Genome position (GRCh38, 1-based): chr10:71,777,741, A>T. VCF-style: chr10-71777741-A-T. GRCh37 (hg19) VCF-style: chr10-73537498-A-T.
Other names: c.4907A>T (NM_022124.5); short protein forms Q1636L.
Identifiers: ClinVar variation 2172602 (VCV002172602.2), dbSNP rs762043839, ClinGen allele CA5545584.
Genomic context (GRCh38, chr10:71,777,741, plus strand): 5'-CCACCACGCACGTGTACGTGACCATTGTGGATGAGAATGATAACGCGCCCATGTTCCAGC[A>T]GCCCCACTATGAGGTGCTGCTGGATGAGGGCCCAGACACGCTCAACACCAGCCTCATCAC-3'
Protein context (NP_071407.4, residues 1626-1646): DENDNAPMFQ[Gln1636Leu]PHYEVLLDEG